The following is an entry in ClinVar:

ClinVar aggregate classification (germline): Uncertain significance. Review status: criteria provided, multiple submitters, no conflicts (2 of 4 stars). 4 submissions from 4 submitters: Uncertain significance (4). Last evaluated 2025-10-29.

Conditions:
SAMD9L-related disorder. Also called: SAMD9L-related condition; SAMD9L-related disorders.
Inborn genetic diseases. Identifiers: MedGen C0950123, MeSH D030342.

Allele frequency attached by ClinVar (database versions not stated): gnomAD exomes 0.00002; ExAC 0.00003; TOPMed 0.00006; gnomAD 0.00007 and 0.00008.
gnomAD v4.1: 20 of 1,613,796 alleles (0.0012%); highest among the groups gnomAD compares: African/African-American, 0.023%; no homozygotes.

Submissions (4):

Ambry Genetics
Classification: Uncertain significance for Inborn genetic diseases. Last evaluated: 2025-10-29. Review status: criteria provided, single submitter. Criteria: Ambry Variant Classification Scheme 2023. Collection method: clinical testing. Allele origin: germline.

Labcorp Genetics (formerly Invitae), Labcorp
Classification: Uncertain significance. Last evaluated: 2025-09-05. Review status: criteria provided, single submitter. Criteria: Invitae Variant Classification Sherloc (09022015). Collection method: clinical testing. Allele origin: germline.
Comment: This sequence change replaces valine, which is neutral and non-polar, with leucine, which is neutral and non-polar, at codon 374 of the SAMD9L protein (p.Val374Leu). This variant is present in population databases (rs745844082, gnomAD 0.02%). This variant has not been reported in the literature in individuals affected with SAMD9L-related conditions. ClinVar contains an entry for this variant (Variation ID: 1414521). Invitae Evidence Modeling of protein sequence and biophysical properties (such as structural, functional, and spatial information, amino acid conservation, physicochemical variation, residue mobility, and thermodynamic stability) indicates that this missense variant is not expected to disrupt SAMD9L protein function with a negative predictive value of 80%. In summary, the available evidence is currently insufficient to determine the role of this variant in disease. Therefore, it has been classified as a Variant of Uncertain Significance.

GeneDx
Classification: Uncertain significance. Last evaluated: 2024-04-25. Review status: criteria provided, single submitter. Criteria: GeneDx Variant Classification Process June 2021. Collection method: clinical testing. Allele origin: germline. Affected: yes.
Comment: In silico analysis supports that this missense variant does not alter protein structure/function; Has not been previously published as pathogenic or benign to our knowledge

PreventionGenetics, part of Exact Sciences
Classification: Uncertain significance for SAMD9L-related condition. Last evaluated: 2022-08-30. Review status: criteria provided, single submitter. Criteria: ACMG Guidelines, 2015. Collection method: clinical testing. Allele origin: germline.
Comment: The SAMD9L c.1120G>C variant is predicted to result in the amino acid substitution p.Val374Leu. To our knowledge, this variant has not been reported in the literature. This variant is reported in 0.024% of alleles in individuals of African descent in gnomAD, which may be too common to be an unreported disease causing variant. Although we suspect that this variant may be benign, at this time, the clinical significance of this variant is uncertain due to the absence of conclusive functional and genetic evidence.

NM_152703.5(SAMD9L):c.1120G>C (p.Val374Leu)

Gene: SAMD9L (sterile alpha motif domain containing 9 like; minus strand). Cytogenetic location: 7q21.2.
Variant type: single nucleotide variant.
Coding change: c.1120G>C on transcript NM_152703.5 (MANE Select); coding-DNA position 1120, G replaced by C.
Protein change: p.Val374Leu; replaces valine 374 with leucine.
Molecular consequence: missense variant.
Genome position (GRCh38, 1-based): chr7:93,134,852, C>G on the plus strand (G>C on the coding strand, the complement: SAMD9L is on the minus strand). VCF-style: chr7-93134852-C-G. GRCh37 (hg19) VCF-style: chr7-92764165-C-G.
Other names: c.1120G>C (NM_152703.2, NM_152703.3); c.1120G>C, p.Val374Leu (NM_001303496.3, NM_001303497.3, NM_001303498.3 and 5 more transcripts); short protein forms V374L.
Identifiers: ClinVar variation 1414521 (VCV001414521.13), dbSNP rs745844082, ClinGen allele CA4343765.